The following is an entry in ClinVar:

NM_000235.4(LIPA):c.1133T>C (p.Ile378Thr)

Gene: LIPA (lipase A, lysosomal acid type; minus strand). Cytogenetic location: 10q23.31.
Variant type: single nucleotide variant.
Coding change: c.1133T>C on transcript NM_000235.4 (MANE Select); coding-DNA position 1133, T replaced by C.
Protein change: p.Ile378Thr; replaces isoleucine 378 with threonine.
Molecular consequence: missense variant.
Genome position (GRCh38, 1-based): chr10:89,214,895, A>G on the plus strand (T>C on the coding strand, the complement: LIPA is on the minus strand). VCF-style: chr10-89214895-A-G. GRCh37 (hg19) VCF-style: chr10-90974652-A-G.
Other names: c.1133T>C, p.Ile378Thr (NM_001127605.3); c.785T>C, p.Ile262Thr (NM_001288979.2); short protein forms I262T, I378T.
Identifiers: ClinVar variation 1495192 (VCV001495192.22), dbSNP rs778013279, ClinGen allele CA5593500.

ClinVar aggregate classification (germline): Uncertain significance. Review status: criteria provided, multiple submitters, no conflicts (2 of 4 stars). 6 submissions from 6 submitters: Uncertain significance (5). 1 of the submissions does not count toward it. Last evaluated 2026-01-13.

Conditions:
Wolman disease (WOLD). Also called: Wolman disease with hypolipoproteinemia and acanthocytosis; Wolman disease, CESD; Acid cholesteryl ester hydrolase deficiency, Wolman type; Acid lipase disease; Infantile-Onset LAL-D (Wolman Disease); LYSOSOMAL ACID LIPASE DEFICIENCY, ACUTE INFANTILE. Identifiers: Orphanet 75233, MedGen C0043208, MONDO:0019148, OMIM 620151.
Lysosomal acid lipase deficiency. Also called: Acid cholesteryl ester hydrolase deficiency, type 2. Identifiers: Orphanet 275761, MedGen C5574740, MONDO:0800449, MONDO:0010204.
Cardiovascular phenotype. Identifiers: MedGen CN230736.

Allele frequency attached by ClinVar (database versions not stated): gnomAD exomes below 0.00001 and 0.00001; ExAC 0.00001; TOPMed 0.00002.

Submissions (6):

Women's Health and Genetics/Laboratory Corporation of America, LabCorp
Classification: Uncertain significance. Last evaluated: 2026-01-13. Review status: criteria provided, single submitter. Criteria: LabCorp Variant Classification Summary - May 2015. Collection method: clinical testing. Allele origin: germline.
Comment: Variant summary: LIPA c.1133T>C (p.Ile378Thr) results in a non-conservative amino acid change in the encoded protein sequence. Algorithms developed to predict the effect of missense changes on protein structure and function are either unavailable or do not agree on the potential impact of this missense change. The variant allele was found at a frequency of 4e-06 in 251446 control chromosomes. The available data on variant occurrences in the general population are insufficient to allow any conclusion about variant significance. c.1133T>C has been observed in individual(s) affected with nonclassical cholesteryl ester storage disease (example: Zhang_2024). These report(s) do not provide unequivocal conclusions about association of the variant with Cholesteryl ester storage disease. To our knowledge, no experimental evidence demonstrating an impact on protein function has been reported. The following publication has been ascertained in the context of this evaluation (PMID: 38564148). ClinVar contains an entry for this variant (Variation ID: 1495192). Based on the evidence outlined above, the variant was classified as uncertain significance.

Myriad Genetics, Inc.
Classification: Uncertain significance for Lysosomal acid lipase deficiency. Last evaluated: 2025-11-25. Review status: criteria provided, single submitter. Criteria: Myriad Autosomal Dominant, Autosomal Recessive and X-Linked Classification Criteria (2023). Collection method: clinical testing. Allele origin: unknown.
Comment: NM_000235.2(LIPA):c.1133T>C(I378T) is a missense variant classified as a variant of uncertain significance in the context of lysosomal acid lipase deficiency. I378T has been observed in a case with relevant disease (PMID: 38564148). Relevant functional assessments of this variant are available in the literature (PMID: 31180157). I378T has been observed in referenced population frequency databases. In summary, there is insufficient evidence to classify NM_000235.2(LIPA):c.1133T>C(I378T) as pathogenic or benign. Please note: this variant was assessed in the context of healthy population screening.

CeGaT Center for Human Genetics Tuebingen
Classification: Uncertain significance. Last evaluated: 2024-09-01. Review status: criteria provided, single submitter. Criteria: CeGaT Center For Human Genetics Tuebingen Variant Classification Criteria Version 2. Collection method: clinical testing. Allele origin: germline. Affected: yes. Observed: 1 variant allele.
Comment: LIPA: PM2

Labcorp Genetics (formerly Invitae), Labcorp
Classification: Uncertain significance for Wolman disease. Last evaluated: 2022-06-05. Review status: criteria provided, single submitter. Criteria: Invitae Variant Classification Sherloc (09022015). Collection method: clinical testing. Allele origin: germline.
Comment: This sequence change replaces isoleucine, which is neutral and non-polar, with threonine, which is neutral and polar, at codon 378 of the LIPA protein (p.Ile378Thr). This variant is present in population databases (rs778013279, gnomAD 0.006%). This variant has not been reported in the literature in individuals affected with LIPA-related conditions. ClinVar contains an entry for this variant (Variation ID: 1495192). Algorithms developed to predict the effect of missense changes on protein structure and function are either unavailable or do not agree on the potential impact of this missense change (SIFT: "Tolerated"; PolyPhen-2: "Probably Damaging"; Align-GVGD: "Class C0"). In summary, the available evidence is currently insufficient to determine the role of this variant in disease. Therefore, it has been classified as a Variant of Uncertain Significance.

Ambry Genetics
Classification: Uncertain significance for Cardiovascular phenotype. Last evaluated: 2021-07-12. Review status: criteria provided, single submitter. Criteria: Ambry Variant Classification Scheme 2023. Collection method: clinical testing. Allele origin: germline.
Comment: The p.I378T variant (also known as c.1133T>C), located in coding exon 9 of the LIPA gene, results from a T to C substitution at nucleotide position 1133. The isoleucine at codon 378 is replaced by threonine, an amino acid with similar properties. This amino acid position is conserved. In addition, the in silico prediction for this alteration is inconclusive. Since supporting evidence is limited at this time, the clinical significance of this alteration remains unclear.

Department of Traditional Chinese Medicine, Fujian Provincial Hospital
Classification: Uncertain significance for Cholesteryl ester storage disease. Review status: no assertion criteria provided. Collection method: clinical testing. Allele origin: unknown. Inheritance: Semidominant inheritance. Not counted in ClinVar's aggregate classification.
Comment: The mutation is consistent with "PM1（Located in a mutational hot spot and/or critical and well-established functional domain without benign variation.）+PM2(Absent from controls in Exome Sequencing Project, 1000 Genomes or ExAC.)" according to the scores in the ACMG, and the possibility that this variant causes the disease cannot be excluded; therefore, its association with the disease requires further investigation. A literature search of genes, cDNA changes, and amino acid changes did not identify any publications based on this search. Therefore, the variant was categorized as a variant of unknown significance for the disease.

Literature cited by the submitters: PubMed 38564148 (cited by Women's Health and Genetics/Laboratory Corporation of America, LabCorp and Myriad Genetics, Inc.); PubMed 31180157 (cited by Myriad Genetics, Inc.); DOI 10.1002/humu.23837 (cited by Department of Traditional Chinese Medicine, Fujian Provincial Hospital).